The following is an entry in ClinVar:

NM_001367721.1(CASK):c.757G>C (p.Val253Leu)

Gene: CASK (calcium/calmodulin dependent serine protein kinase; minus strand). Cytogenetic location: Xp11.4.
Variant type: single nucleotide variant.
Coding change: c.757G>C on transcript NM_001367721.1 (MANE Select); coding-DNA position 757, G replaced by C.
Protein change: p.Val253Leu; replaces valine 253 with leucine.
Molecular consequence: missense variant.
Genome position (GRCh38, 1-based): chrX:41,660,513, C>G on the plus strand (G>C on the coding strand, the complement: CASK is on the minus strand). VCF-style: chrX-41660513-C-G. GRCh37 (hg19) VCF-style: chrX-41519766-C-G.
Other names: c.757G>C, p.Val253Leu (NM_001126054.3, NM_001126055.3, NM_001410745.1 and 1 more transcripts); short protein forms V253L.
Identifiers: ClinVar variation 2697129 (VCV002697129.3), dbSNP rs2519200244, ClinGen allele CA412996640.

ClinVar aggregate classification (germline): Uncertain significance (1 of 4 stars; one submission).

Conditions:
Intellectual disability, CASK-related, X-linked. Identifiers: MedGen CN043158.

Submission:

Labcorp Genetics (formerly Invitae), Labcorp
Classification: Uncertain significance for Intellectual disability, CASK-related, X-linked. Last evaluated: 2024-08-30. Review status: criteria provided, single submitter. Criteria: Invitae Variant Classification Sherloc (09022015). Collection method: clinical testing. Allele origin: germline.
Comment: This sequence change replaces valine, which is neutral and non-polar, with leucine, which is neutral and non-polar, at codon 253 of the CASK protein (p.Val253Leu). This variant is not present in population databases (gnomAD no frequency). This variant has not been reported in the literature in individuals affected with CASK-related conditions. Invitae Evidence Modeling of protein sequence and biophysical properties (such as structural, functional, and spatial information, amino acid conservation, physicochemical variation, residue mobility, and thermodynamic stability) has been performed for this missense variant. However, the output from this modeling did not meet the statistical confidence thresholds required to predict the impact of this variant on CASK protein function. In summary, the available evidence is currently insufficient to determine the role of this variant in disease. Therefore, it has been classified as a Variant of Uncertain Significance.